The following is an entry in ClinVar:

ClinVar aggregate classification (germline): Uncertain significance (1 of 4 stars; one submission).

Allele frequency attached by ClinVar (database versions not stated): gnomAD 0.00001 and 0.00002; TOPMed 0.00002.
gnomAD v4.1: 9 of 1,551,472 alleles (0.00058%); highest among the groups gnomAD compares: East Asian, 0.015%; no homozygotes.

Submission:

Labcorp Genetics (formerly Invitae), Labcorp
Classification: Uncertain significance. Last evaluated: 2021-06-18. Review status: criteria provided, single submitter. Criteria: Invitae Variant Classification Sherloc (09022015). Collection method: clinical testing. Allele origin: germline.
Comment: In summary, the available evidence is currently insufficient to determine the role of this variant in disease. Therefore, it has been classified as a Variant of Uncertain Significance. Experimental studies and prediction algorithms are not available or were not evaluated, and the functional significance of this variant is currently unknown. This variant has not been reported in the literature in individuals with FOXI3-related conditions. This variant is not present in population databases (ExAC no frequency). This sequence change replaces methionine with valine at codon 407 of the FOXI3 protein (p.Met407Val). The methionine residue is moderately conserved and there is a small physicochemical difference between methionine and valine.

NM_001135649.3(FOXI3):c.1219A>G (p.Met407Val)

Gene: FOXI3 (forkhead box I3; minus strand). Cytogenetic location: 2p11.2.
Variant type: single nucleotide variant.
Coding change: c.1219A>G on transcript NM_001135649.3 (MANE Select); coding-DNA position 1219, A replaced by G.
Protein change: p.Met407Val; replaces methionine 407 with valine.
Molecular consequence: missense variant.
Genome position (GRCh38, 1-based): chr2:88,448,251, T>C on the plus strand (A>G on the coding strand, the complement: FOXI3 is on the minus strand). VCF-style: chr2-88448251-T-C. GRCh37 (hg19) VCF-style: chr2-88747770-T-C.
Other names: short protein forms M407V.
Identifiers: ClinVar variation 1371405 (VCV001371405.6), dbSNP rs1228319702, ClinGen allele CA347763974.